The following is an entry in ClinVar:

ClinVar aggregate classification (germline): Uncertain significance. Review status: criteria provided, multiple submitters, no conflicts (2 of 4 stars). 2 submissions from 2 submitters: Uncertain significance (2). Last evaluated 2025-10-25.

Conditions:
Developmental delay, impaired speech, and behavioral abnormalities. Identifiers: MedGen C5561957, MONDO:0859178, OMIM 619475.

Allele frequency attached by ClinVar (database versions not stated): gnomAD exomes below 0.00001.
gnomAD v4.1: 4 of 1,613,044 alleles (0.00025%); highest among the groups gnomAD compares: South Asian, 0.0011%; no homozygotes.

Submissions (2):

Dasa
Classification: Uncertain significance. Last evaluated: 2025-10-25. Review status: criteria provided, single submitter. Criteria: DASA Assertion Criteria. Collection method: clinical testing. Allele origin: germline.
Comment: NM_003128.3(SPTBN1):c.772G>A (p.Val258Met) is a missense variant that results in the substitution of valine with methionine. This variant is rare in population databases. Computational prediction algorithms are consistent with a deleterious effect. The currently available literature and clinical evidence are not sufficient to establish a definitive association between this variant and the reported condition. Therefore, this variant is classified as a variant of uncertain significance.

Institute of Human Genetics, Clinical Exome/Genome Diagnostics Group, University Hospital Bonn
Classification: Uncertain significance for Developmental delay, impaired speech, and behavioral abnormalities. Review status: criteria provided, single submitter. Criteria: ACMG Guidelines, 2015. Collection method: clinical testing. Allele origin: germline. Affected: yes.

NM_003128.3(SPTBN1):c.772G>A (p.Val258Met)

Gene: SPTBN1 (spectrin beta, non-erythrocytic 1; plus strand). Cytogenetic location: 2p16.2.
Variant type: single nucleotide variant.
Coding change: c.772G>A on transcript NM_003128.3 (MANE Select); coding-DNA position 772, G replaced by A.
Protein change: p.Val258Met; replaces valine 258 with methionine.
Molecular consequence: missense variant.
Genome position (GRCh38, 1-based): chr2:54,621,408, G>A. VCF-style: chr2-54621408-G-A. GRCh37 (hg19) VCF-style: chr2-54848545-G-A.
Other names: c.733G>A, p.Val245Met (NM_178313.3); short protein forms V245M, V258M.
Identifiers: ClinVar variation 1895412 (VCV001895412.3), dbSNP rs1346058982, ClinGen allele CA346863666.
Genomic context (GRCh38, chr2:54,621,408, plus strand): 5'-GTGGGGCACAGTAGCATGCAACACACTGAACAGAGTCTTCTCTGGGTTACAGACATCAGC[G>A]TGGACCATCCTGATGAGAAGTCCATAATCACTTATGTGGTGACTTATTACCACTACTTCT-3'
Protein context (NP_003119.2, residues 248-268): TKLLDPEDIS[Val258Met]DHPDEKSIIT